The following is an entry in ClinVar:

ClinVar aggregate classification (germline): Uncertain significance (1 of 4 stars; one submission).

Conditions:
Congenital sideroblastic anemia-B-cell immunodeficiency-periodic fever-developmental delay syndrome. Also called: Sideroblastic anemia with B-cell immunodeficiency, periodic fevers, and developmental delay. Identifiers: Orphanet 369861, MedGen C4015172, MONDO:0014487, OMIM 616084.

Allele frequency attached by ClinVar (database versions not stated): gnomAD exomes below 0.00001; ExAC 0.00002.
gnomAD v4.1: 4 of 1,612,862 alleles (0.00025%); highest among the groups gnomAD compares: Non-Finnish European, 0.00034%; no homozygotes.

Submission:

Labcorp Genetics (formerly Invitae), Labcorp
Classification: Uncertain significance for Congenital sideroblastic anemia-B-cell immunodeficiency-periodic fever-developmental delay syndrome. Last evaluated: 2022-02-03. Review status: criteria provided, single submitter. Criteria: Invitae Variant Classification Sherloc (09022015). Collection method: clinical testing. Allele origin: germline.
Comment: In summary, the available evidence is currently insufficient to determine the role of this variant in disease. Therefore, it has been classified as a Variant of Uncertain Significance. Algorithms developed to predict the effect of missense changes on protein structure and function output the following: SIFT: "Tolerated"; PolyPhen-2: "Benign"; Align-GVGD: "Class C0". The serine amino acid residue is found in multiple mammalian species, which suggests that this missense change does not adversely affect protein function. This variant has not been reported in the literature in individuals affected with TRNT1-related conditions. This variant is present in population databases (rs758026798, gnomAD 0.002%). This sequence change replaces asparagine, which is neutral and polar, with serine, which is neutral and polar, at codon 71 of the TRNT1 protein (p.Asn71Ser).

NM_182916.3(TRNT1):c.212A>G (p.Asn71Ser)

Gene: TRNT1 (tRNA nucleotidyl transferase 1; plus strand). Cytogenetic location: 3p26.2.
Variant type: single nucleotide variant.
Coding change: c.212A>G on transcript NM_182916.3 (MANE Select); coding-DNA position 212, A replaced by G.
Protein change: p.Asn71Ser; replaces asparagine 71 with serine.
Molecular consequence: missense variant. On other transcripts: non-coding transcript variant (8).
Genome position (GRCh38, 1-based): chr3:3,137,323, A>G. VCF-style: chr3-3137323-A-G. GRCh37 (hg19) VCF-style: chr3-3179007-A-G.
Other names: c.212A>G, p.Asn71Ser (NM_001302946.2, NM_001367321.1, NM_001367322.1 and 1 more transcripts); short protein forms N71S.
Identifiers: ClinVar variation 2092599 (VCV002092599.4), dbSNP rs758026798, ClinGen allele CA2228580.